The following is an entry in ClinVar:

ClinVar aggregate classification (germline): Likely pathogenic (1 of 4 stars; one submission).

Submission:

GeneDx
Classification: Likely pathogenic. Last evaluated: 2015-08-07. Review status: criteria provided, single submitter. Criteria: GeneDx Variant Classification (06012015). Collection method: clinical testing. Allele origin: germline. Affected: yes.
Comment: The D1544H variant has not been published as a pathogenic variant, nor has it been reported as a benign polymorphism to our knowledge. Two different missense substitutions at the same position (D1544A; D1544G) have been reported as de novo variants identified in individuals with Dravet syndrome (Depienne et al., 2009; SCN1A Variant Database; Zuberi et al., 2011). Additionally, missense variants in nearby residues (V1538I; T1539P; F1543S; I1545V) have been reported in the Human Gene Mutation Database in association with SCN1A-related disorders (Stenson et al., 2014), supporting the functional importance of this region of the protein. The D1544H variant was not observed in approximately 6,500 individuals of European and African American ancestry in the NHLBI Exome Sequencing Project, indicating it is not a common benign variant in these populations. This variant is a non-conservative amino acid substitution, which is likely to impact secondary protein structure as these residues differ in polarity, charge, size and/or other properties. This substitution alters a conserved position within transmembrane segment S1 in the 4th homologous domain, and in silico analysis predicts the D1544H variant is probably damaging to the protein structure/function. Therefore, this variant is a strong candidate for a pathogenic variant, however the possibility that it is a benign variant cannot be excluded.

NM_001165963.4(SCN1A):c.4630G>C (p.Asp1544His)

Genes: SCN1A (sodium voltage-gated channel alpha subunit 1; minus strand), LOC102724058 (uncharacterized LOC102724058; plus strand). Cytogenetic location: 2q24.3.
Variant type: single nucleotide variant.
Coding change: c.4630G>C on transcript NM_001165963.4 (MANE Select); coding-DNA position 4630, G replaced by C.
Protein change: p.Asp1544His; replaces aspartic acid 1544 with histidine.
Molecular consequence: missense variant. On other transcripts: non-coding transcript variant (1).
Genome position (GRCh38, 1-based): chr2:165,994,368, C>G on the plus strand (G>C on the coding strand, the complement: SCN1A is on the minus strand). VCF-style: chr2-165994368-C-G. GRCh37 (hg19) VCF-style: chr2-166850878-C-G.
Other names: c.4546G>C, p.Asp1516His (NM_001165964.3, NM_001353957.2, NM_001353958.2); c.4630G>C, p.Asp1544His (NM_001202435.3, NM_001353948.2); c.4597G>C, p.Asp1533His (NM_001353949.2, NM_001353950.2, NM_001353951.2 and 2 more transcripts); c.4594G>C, p.Asp1532His (NM_001353954.2, NM_001353955.2); c.4543G>C, p.Asp1515His (NM_001353960.2); c.2188G>C, p.Asp730His (NM_001353961.2); short protein forms D1533H, D1544H, D1532H, D1515H, D1516H, D730H.
Identifiers: ClinVar variation 429417 (VCV000429417.2), dbSNP rs1131691367, ClinGen allele CA349072277.
Genomic context (GRCh38, chr2:165,994,368, plus strand): 5'-CATCTGTTTCCACCATCATTGTGACCATGTTAAGACAGATGAGAATCATGATGCTTATGT[C>G]AAAAACTTGTCTGGTTACGAAGTCAAAGACCATTCCTTGAAATTTGTTCTGTAGAGAAAT-3'
Protein context (NP_001159435.1, residues 1534-1554): VFDFVTRQVF[Asp1544His]ISIMILICLN